The following is an entry in ClinVar:

ClinVar aggregate classification (germline): Uncertain significance (1 of 4 stars; one submission).

Submission:

Labcorp Genetics (formerly Invitae), Labcorp
Classification: Uncertain significance. Last evaluated: 2025-05-12. Review status: criteria provided, single submitter. Criteria: Invitae Variant Classification Sherloc (09022015). Collection method: clinical testing. Allele origin: germline.
Comment: This variant, c.1557_1558delinsTT, is a complex sequence change that results in the deletion of 2 and insertion of 2 amino acid(s) in the IL12RB2 protein (p.Lys519_Ala520delinsAsnSer). Information on the frequency of this variant in the gnomAD database is not available, as this variant may be reported differently in the database. This variant has not been reported in the literature in individuals affected with IL12RB2-related conditions. ClinVar contains an entry for this variant (Variation ID: 2989664). Experimental studies and prediction algorithms are not available or were not evaluated, and the functional significance of this variant is currently unknown. In summary, the available evidence is currently insufficient to determine the role of this variant in disease. Therefore, it has been classified as a Variant of Uncertain Significance.

NM_001374259.2(IL12RB2):c.1557_1558delinsTT (p.Lys519_Ala520delinsAsnSer)

Gene: IL12RB2 (interleukin 12 receptor subunit beta 2; plus strand). Cytogenetic location: 1p31.3.
Variant type: Indel.
Coding change: c.1557_1558delinsTT on transcript NM_001374259.2 (MANE Select); coding-DNA positions 1557 to 1558, AG replaced by TT.
Protein change: p.Lys519_Ala520delinsAsnSer.
Molecular consequence: missense variant. On other transcripts: non-coding transcript variant (2), intron variant (1).
Genome position (GRCh38, 1-based): chr1:67,372,533-67,372,534, AG replaced by TT. VCF-style: chr1-67372533-AG-TT. GRCh37 (hg19) VCF-style: chr1-67838216-AG-TT.
Other names: c.1557_1558delinsTT, p.Lys519_Ala520delinsAsnSer (NM_001258214.1, NM_001258216.1, NM_001319233.1 and 1 more transcripts); c.1459+4508_1459+4509delinsTT (NM_001258215.1).
Identifiers: ClinVar variation 2989664 (VCV002989664.3), dbSNP rs2523271157, ClinGen allele CA2740090750.
Genomic context (GRCh38, chr1:67,372,533, plus strand): 5'-GTATGCACTCTCAGGGGATCAAGGAGGATGCAGCTCCATCCTGGGTAACTCTAAGCACAA[AG>TT]GTGAGTCTTGGGATCTTTTGCCAAATTTTGCTTTAGTTTAATGATTTGGATTTGGAGGGT-3'